The following is an entry in ClinVar:

NM_020843.4(SCAPER):c.3051A>G (p.Leu1017=)

Gene: SCAPER (S-phase cyclin A associated protein in the ER; minus strand). Cytogenetic location: 15q24.3.
Variant type: single nucleotide variant.
Coding change: c.3051A>G on transcript NM_020843.4 (MANE Select); coding-DNA position 3051, A replaced by G.
Protein change: p.Leu1017=; no amino-acid change (leucine 1017 retained).
Molecular consequence: synonymous variant. On other transcripts: non-coding transcript variant (1).
Genome position (GRCh38, 1-based): chr15:76,471,239, T>C on the plus strand (A>G on the coding strand, the complement: SCAPER is on the minus strand). VCF-style: chr15-76471239-T-C. GRCh37 (hg19) VCF-style: chr15-76763580-T-C.
Other names: c.2313A>G, p.Leu771= (NM_001145923.2); c.3069A>G, p.Leu1023= (NM_001353009.2); c.2649A>G, p.Leu883= (NM_001353010.2, NM_001353012.2); c.2667A>G, p.Leu889= (NM_001353011.2); c.3069A>G (NM_001353009.1).
Identifiers: ClinVar variation 4925945 (VCV004925945.2).

ClinVar aggregate classification (germline): Likely benign. Review status: criteria provided, multiple submitters, no conflicts (2 of 4 stars). 2 submissions from 2 submitters: Likely benign (2). Last evaluated 2024-10-22.

Conditions:
SCAPER-related disorder. Also called: SCAPER-related condition.

gnomAD v4.1: 82 of 1,611,768 alleles (0.0051%); highest among the groups gnomAD compares: Non-Finnish European, 0.0064%; no homozygotes.

Submissions (2):

PreventionGenetics, part of Exact Sciences
Classification: Likely benign for SCAPER-related condition. Last evaluated: 2024-10-22. Review status: criteria provided, single submitter. Criteria: ACMG Guidelines, 2015. Collection method: clinical testing. Allele origin: germline.
Comment: This variant is classified as likely benign based on ACMG/AMP sequence variant interpretation guidelines (Richards et al. 2015 PMID: 25741868, with internal and published modifications).

Blueprint Genetics
Classification: Likely benign. Last evaluated: 2024-10-16. Review status: criteria provided, single submitter. Criteria: ACMG Guidelines, 2015. Collection method: clinical testing. Allele origin: germline.